The following is an entry in ClinVar:

ClinVar aggregate classification (germline): Likely benign. Review status: criteria provided, multiple submitters, no conflicts (2 of 4 stars). 3 submissions from 3 submitters: Likely benign (3). Last evaluated 2026-09-01.

Conditions:
Deficiency of adenosine deaminase 2. Also called: Adenosine Deaminase 2 Deficiency; Polyarteritis nodosa, childhoood-onset; VASCULITIS, AUTOINFLAMMATION, IMMUNODEFICIENCY, AND HEMATOLOGIC DEFECTS SYNDROME. Identifiers: Orphanet 404553, MedGen C3887654, MONDO:0014306, OMIM 615688, MONDO:0100317.

Allele frequency attached by ClinVar (database versions not stated): gnomAD 0.00004; gnomAD exomes 0.00006 and 0.00025; TOPMed 0.00011; 1000 Genomes Project 30x 0.00016; 1000 Genomes Project 0.00020; ExAC 0.00026.
gnomAD v4.1: 97 of 1,613,510 alleles (0.006%); highest among the groups gnomAD compares: Admixed American, 0.1%; no homozygotes.

Submissions (3):

CeGaT Center for Human Genetics Tuebingen
Classification: Likely benign. Last evaluated: 2026-09-01. Review status: criteria provided, single submitter. Criteria: CeGaT Center For Human Genetics Tuebingen Variant Classification Criteria Version 2. Collection method: clinical testing. Allele origin: germline. Affected: yes. Observed: 2 variant alleles.
Comment: ADA2: BP4, BP7

Labcorp Genetics (formerly Invitae), Labcorp
Classification: Likely benign for Deficiency of adenosine deaminase 2. Last evaluated: 2026-02-01. Review status: criteria provided, single submitter. Criteria: Invitae Variant Classification Sherloc (09022015). Collection method: clinical testing. Allele origin: germline.

Blueprint Genetics
Classification: Likely benign. Last evaluated: 2024-06-06. Review status: criteria provided, single submitter. Criteria: ACMG Guidelines, 2015. Collection method: clinical testing. Allele origin: germline.

NM_001282225.2(ADA2):c.708C>T (p.Tyr236=)

Gene: ADA2 (adenosine deaminase 2; minus strand). Cytogenetic location: 22q11.1.
Variant type: single nucleotide variant.
Coding change: c.708C>T on transcript NM_001282225.2 (MANE Select); coding-DNA position 708, C replaced by T.
Protein change: p.Tyr236=; no amino-acid change (tyrosine 236 retained).
Molecular consequence: synonymous variant.
Genome position (GRCh38, 1-based): chr22:17,203,608, G>A on the plus strand (C>T on the coding strand, the complement: ADA2 is on the minus strand). VCF-style: chr22-17203608-G-A. GRCh37 (hg19) VCF-style: chr22-17684498-G-A.
Other names: c.708C>T, p.Tyr236= (NM_001282226.2); c.582C>T, p.Tyr194= (NM_001282227.2, NM_001282228.2); c.348C>T, p.Tyr116= (NM_001282229.2).
Identifiers: ClinVar variation 715290 (VCV000715290.14), dbSNP rs200287863, ClinGen allele CA10088154.
Genomic context (GRCh38, chr22:17,203,608, plus strand): 5'-GAGAGCTGGGCTCACCGGCAGCAGCCTGGCTCTGATCTCCATGTAGAGCACGTTGTCCTC[G>A]TAGAACTCCTGCATGCTCCGGAAGACATAGTCTCTGAACACTGGTGCGTAATGGATGAGA-3'
Protein context (NP_001269154.1, residues 226-246): DYVFRSMQEF[Tyr236=]EDNVLYMEIR